The following is an entry in ClinVar:

NM_000368.5(TSC1):c.340C>G (p.Pro114Ala)

Gene: TSC1 (TSC complex subunit 1; minus strand). Cytogenetic location: 9q34.13.
Variant type: single nucleotide variant.
Coding change: c.340C>G on transcript NM_000368.5 (MANE Select); coding-DNA position 340, C replaced by G.
Protein change: p.Pro114Ala; replaces proline 114 with alanine.
Molecular consequence: missense variant. On other transcripts: 5 prime UTR variant (18), non-coding transcript variant (5), intron variant (5).
Genome position (GRCh38, 1-based): chr9:132,925,610, G>C on the plus strand (C>G on the coding strand, the complement: TSC1 is on the minus strand). VCF-style: chr9-132925610-G-C. GRCh37 (hg19) VCF-style: chr9-135800997-G-C.
Other names: c.-24C>G (NM_001406619.1, NM_001406620.1, NM_001406621.1 and 5 more transcripts); c.-149C>G (NM_001406623.1, NM_001406615.1); c.-116C>G (NM_001406624.1, NM_001406614.1, NM_001406616.1); c.-538C>G (NM_001406626.1, NM_001406627.1, NM_001406628.1); c.-680C>G (NM_001406629.1); c.-754C>G (NM_001406630.1); c.210+1591C>G (NM_001406613.1, NM_001406612.1, NM_001406610.1 and 2 more transcripts); c.340C>G, p.Pro114Ala (NM_001162426.2, NM_001406592.1, NM_001406593.1 and 16 more transcripts); short protein forms P114A.
Identifiers: ClinVar variation 2756568 (VCV002756568.3), dbSNP rs779395169, ClinGen allele CA375374370.

ClinVar aggregate classification (germline): Uncertain significance (1 of 4 stars; one submission).

Conditions:
Tuberous sclerosis 1 (TSC1). Identifiers: Orphanet 805, MedGen C1854465, MONDO:0008612, OMIM 191100.

Submission:

Labcorp Genetics (formerly Invitae), Labcorp
Classification: Uncertain significance for Tuberous sclerosis 1. Last evaluated: 2025-06-19. Review status: criteria provided, single submitter. Criteria: Invitae Variant Classification Sherloc (09022015). Collection method: clinical testing. Allele origin: germline.
Comment: This sequence change replaces proline, which is neutral and non-polar, with alanine, which is neutral and non-polar, at codon 114 of the TSC1 protein (p.Pro114Ala). This variant is not present in population databases (gnomAD no frequency). This variant has not been reported in the literature in individuals affected with TSC1-related conditions. ClinVar contains an entry for this variant (Variation ID: 2756568). Invitae Evidence Modeling of protein sequence and biophysical properties (such as structural, functional, and spatial information, amino acid conservation, physicochemical variation, residue mobility, and thermodynamic stability) indicates that this missense variant is not expected to disrupt TSC1 protein function with a negative predictive value of 95%. In summary, the available evidence is currently insufficient to determine the role of this variant in disease. Therefore, it has been classified as a Variant of Uncertain Significance.